The following is an entry in ClinVar:

NM_015474.4(SAMHD1):c.793A>G (p.Ile265Val)

Gene: SAMHD1 (SAM and HD domain containing deoxynucleoside triphosphate triphosphohydrolase 1; minus strand). Cytogenetic location: 20q11.23.
Variant type: single nucleotide variant.
Coding change: c.793A>G on transcript NM_015474.4 (MANE Select); coding-DNA position 793, A replaced by G.
Protein change: p.Ile265Val; replaces isoleucine 265 with valine.
Molecular consequence: missense variant.
Genome position (GRCh38, 1-based): chr20:36,919,423, T>C on the plus strand (A>G on the coding strand, the complement: SAMHD1 is on the minus strand). VCF-style: chr20-36919423-T-C. GRCh37 (hg19) VCF-style: chr20-35547826-T-C.
Other names: c.793A>G, p.Ile265Val (NM_001363729.2, NM_001363733.2); short protein forms I265V.
Identifiers: ClinVar variation 2015633 (VCV002015633.4), dbSNP rs200905678, ClinGen allele CA314298899.

ClinVar aggregate classification (germline): Uncertain significance (1 of 4 stars; one submission).

Conditions:
Aicardi-Goutieres syndrome 5. Identifiers: Orphanet 51, MedGen C2749659, MONDO:0013059, OMIM 612952.

Allele frequency attached by ClinVar (database versions not stated): gnomAD 0.00001; 1000 Genomes Project 30x 0.00016; 1000 Genomes Project 0.00020.
gnomAD v4.1: 1 of 1,613,584 alleles (0.000062%); highest among the groups gnomAD compares: East Asian, 0.0022%; no homozygotes.

Submission:

Labcorp Genetics (formerly Invitae), Labcorp
Classification: Uncertain significance for Aicardi-Goutieres syndrome 5. Last evaluated: 2022-11-03. Review status: criteria provided, single submitter. Criteria: Invitae Variant Classification Sherloc (09022015). Collection method: clinical testing. Allele origin: germline.
Comment: In summary, the available evidence is currently insufficient to determine the role of this variant in disease. Therefore, it has been classified as a Variant of Uncertain Significance. Advanced modeling of protein sequence and biophysical properties (such as structural, functional, and spatial information, amino acid conservation, physicochemical variation, residue mobility, and thermodynamic stability) performed at Invitae indicates that this missense variant is not expected to disrupt SAMHD1 protein function. This variant has not been reported in the literature in individuals affected with SAMHD1-related conditions. This variant is not present in population databases (gnomAD no frequency). This sequence change replaces isoleucine, which is neutral and non-polar, with valine, which is neutral and non-polar, at codon 265 of the SAMHD1 protein (p.Ile265Val).